The following is an entry in ClinVar:

ClinVar aggregate classification (germline): Pathogenic/Likely pathogenic. Review status: criteria provided, multiple submitters, no conflicts (2 of 4 stars). 2 submissions from 2 submitters: Pathogenic (1); Likely pathogenic (1). Last evaluated 2025-04-24.

Conditions:
Osteogenesis imperfecta type 15. Also called: OI, TYPE XV; WNT1-related osteogenesis imperfecta; Osteogenesis imperfecta, type xv. Identifiers: Orphanet 666, MedGen C3808844, MONDO:0014086, OMIM 615220.

Submissions (2):

Variantyx, Inc.
Classification: Likely pathogenic for Osteogenesis imperfecta type 15. Last evaluated: 2025-04-24. Review status: criteria provided, single submitter. Criteria: Variantyx Assertion Criteria 2022. Collection method: clinical testing. Allele origin: maternal. Inheritance: Autosomal recessive inheritance. Affected: yes.
Comment: Pathogenic variants in this gene have been associated with autosomal recessive osteogenesis imperfecta type XV. This variant introduces a premature termination codon in exon 3 out of 4. Although it is not expected to cause nonsense-mediated decay (NMD), it is expected to result in loss of function, which is a known disease mechanism for WNT1 in this disorder (PVS1) (PMID:23499309). This variant has a 0.0012% maximum allele frequency in non-founder control populations (PM2_Supporting, and it has not been reported in individuals with WNT1-related disorders in the databases available for review. Based on the current evidence, this variant is classified as likely pathogenic for autosomal recessive osteogenesis imperfecta type XV.

Labcorp Genetics (formerly Invitae), Labcorp
Classification: Pathogenic. Last evaluated: 2023-12-27. Review status: criteria provided, single submitter. Criteria: Invitae Variant Classification Sherloc (09022015). Collection method: clinical testing. Allele origin: germline.
Comment: This sequence change creates a premature translational stop signal (p.Glu183Serfs*16) in the WNT1 gene. While this is not anticipated to result in nonsense mediated decay, it is expected to disrupt the last 188 amino acid(s) of the WNT1 protein. This variant is not present in population databases (gnomAD no frequency). This variant has not been reported in the literature in individuals affected with WNT1-related conditions. This variant disrupts a region of the WNT1 protein in which other variant(s) (p.Val355Phe) have been determined to be pathogenic (PMID: 23434763, 25010833). This suggests that this is a clinically significant region of the protein, and that variants that disrupt it are likely to be disease-causing. For these reasons, this variant has been classified as Pathogenic.

Literature cited by the submitters: PubMed 23499309 (cited by Variantyx, Inc.); PubMed 23434763 (cited by Labcorp Genetics (formerly Invitae), Labcorp); PubMed 25010833 (cited by Labcorp Genetics (formerly Invitae), Labcorp).

NM_005430.4(WNT1):c.547del (p.Glu183fs)

Gene: WNT1 (Wnt family member 1; plus strand). Cytogenetic location: 12q13.12.
Variant type: Deletion.
Coding change: c.547del on transcript NM_005430.4 (MANE Select); coding-DNA position 547, one base deleted (G; older notation c.547delG).
Protein change: p.Glu183fs; shifts the reading frame from glutamic acid 183.
Molecular consequence: frameshift variant.
Genome position (GRCh38, 1-based): chr12:48,980,612, G deleted; the last of 3 consecutive G bases (chr12:48,980,610-48,980,612); deleting any one gives the same sequence. VCF-style (leftmost placement, unchanged base first): chr12-48980609-CG-C. GRCh37 (hg19) VCF-style: chr12-49374392-CG-C.
Other names: short protein forms E183fs.
Identifiers: ClinVar variation 2766525 (VCV002766525.4), dbSNP rs2498947744, ClinGen allele CA2618597726.